The following is an entry in ClinVar:

ClinVar aggregate classification (germline): Uncertain significance (1 of 4 stars; one submission).

Conditions:
Epileptic encephalopathy. Identifiers: MedGen C0543888, HP:0200134.

Allele frequency attached by ClinVar (database versions not stated): TOPMed below 0.00001; gnomAD 0.00001.
gnomAD v4.1: 2 of 1,484,632 alleles (0.00013%); highest among the groups gnomAD compares: Non-Finnish European, 0.00018%; no homozygotes.

Submission:

Labcorp Genetics (formerly Invitae), Labcorp
Classification: Uncertain significance for Epileptic encephalopathy. Last evaluated: 2022-09-19. Review status: criteria provided, single submitter. Criteria: Invitae Variant Classification Sherloc (09022015). Collection method: clinical testing. Allele origin: germline.
Comment: This sequence change replaces arginine, which is basic and polar, with tryptophan, which is neutral and slightly polar, at codon 891 of the GABBR2 protein (p.Arg891Trp). This variant is not present in population databases (gnomAD no frequency). This variant has not been reported in the literature in individuals affected with GABBR2-related conditions. Algorithms developed to predict the effect of missense changes on protein structure and function are either unavailable or do not agree on the potential impact of this missense change (SIFT: "Deleterious"; PolyPhen-2: "Probably Damaging"; Align-GVGD: "Class C0"). In summary, the available evidence is currently insufficient to determine the role of this variant in disease. Therefore, it has been classified as a Variant of Uncertain Significance.

NM_005458.8(GABBR2):c.2671C>T (p.Arg891Trp)

Gene: GABBR2 (gamma-aminobutyric acid type B receptor subunit 2; minus strand). Cytogenetic location: 9q22.33.
Variant type: single nucleotide variant.
Coding change: c.2671C>T on transcript NM_005458.8 (MANE Select); coding-DNA position 2671, C replaced by T.
Protein change: p.Arg891Trp; replaces arginine 891 with tryptophan.
Molecular consequence: missense variant.
Genome position (GRCh38, 1-based): chr9:98,290,739, G>A on the plus strand (C>T on the coding strand, the complement: GABBR2 is on the minus strand). VCF-style: chr9-98290739-G-A. GRCh37 (hg19) VCF-style: chr9-101053021-G-A.
Other names: short protein forms R891W.
Identifiers: ClinVar variation 1719817 (VCV001719817.5), dbSNP rs1182840615, ClinGen allele CA374209887.
Genomic context (GRCh38, chr9:98,290,739, plus strand): 5'-CCACGCCTCCGATGGATGGGAGGTAGGCGTGGTGGAGGATGGGGAGCTGGAGGGACAGCC[G>A]ACGCTGGATGCTGAAGAGAAGGAGAGGGAGGAGTGTTAGTGAAGGGTAGCTGGGCGCTTA-3'
Protein context (NP_005449.5, residues 881-901): DINSPEHIQR[Arg891Trp]LSLQLPILHH